The following is an entry in ClinVar:

NM_000384.3(APOB):c.10586C>A (p.Ser3529Ter)

Gene: APOB (apolipoprotein B; minus strand). Cytogenetic location: 2p24.1.
Variant type: single nucleotide variant.
Coding change: c.10586C>A on transcript NM_000384.3 (MANE Select); coding-DNA position 10586, C replaced by A.
Protein change: p.Ser3529Ter; replaces serine 3529 with a stop codon.
Molecular consequence: nonsense.
Genome position (GRCh38, 1-based): chr2:21,006,282, G>T on the plus strand (C>A on the coding strand, the complement: APOB is on the minus strand). VCF-style: chr2-21006282-G-T. GRCh37 (hg19) VCF-style: chr2-21229154-G-T.
Other names: short protein forms S3529*.
Identifiers: ClinVar variation 3067674 (VCV003067674.21), dbSNP rs2465359187, ClinGen allele CA345986069.
Genomic context (GRCh38, chr2:21,006,282, plus strand): 5'-TTTTCTTTTACTTCAAGGTTCCAGATATCATCAATTTTGGAAGTGCCCTGCAGCTTCACT[G>T]AAGACCGTGTGCTCTTGGAATTCAAGTAAGTGTTGGCCTCACTAGCAATAGTTCCTGAAT-3'

ClinVar aggregate classification (germline): Pathogenic (1 of 4 stars; one submission).

Submission:

CeGaT Center for Human Genetics Tuebingen
Classification: Pathogenic. Last evaluated: 2024-03-01. Review status: criteria provided, single submitter. Criteria: CeGaT Center For Human Genetics Tuebingen Variant Classification Criteria Version 2. Collection method: clinical testing. Allele origin: germline. Affected: yes. Observed: 1 variant allele.
Comment: APOB: PVS1, PM2